The following is an entry in ClinVar:

NM_001267550.2(TTN):c.76069C>T (p.Arg25357Cys)

Genes: TTN (titin; minus strand), TTN-AS1 (TTN antisense RNA 1; plus strand). Cytogenetic location: 2q31.2.
Variant type: single nucleotide variant.
Coding change: c.76069C>T on transcript NM_001267550.2 (MANE Select); coding-DNA position 76069, C replaced by T.
Protein change: p.Arg25357Cys; replaces arginine 25357 with cysteine.
Molecular consequence: missense variant.
Genome position (GRCh38, 1-based): chr2:178,570,063, G>A on the plus strand (C>T on the coding strand, the complement: TTN is on the minus strand). VCF-style: chr2-178570063-G-A. GRCh37 (hg19) VCF-style: chr2-179434790-G-A.
Other names: c.71146C>T, p.Arg23716Cys (NM_001256850.1); c.48874C>T, p.Arg16292Cys (NM_003319.4); c.68365C>T, p.Arg22789Cys (NM_133378.4); c.49249C>T, p.Arg16417Cys (NM_133432.3); c.49450C>T, p.Arg16484Cys (NM_133437.4); short protein forms R25357C, R16292C, R16417C, R16484C, R22789C, R23716C.
Identifiers: ClinVar variation 535153 (VCV000535153.8), dbSNP rs145437410, ClinGen allele CA1989958.

ClinVar aggregate classification (germline): Conflicting classifications of pathogenicity. Review status: criteria provided, conflicting classifications (1 of 4 stars). 7 submissions from 3 submitters: Uncertain significance (4); Benign (2); Likely benign (1). Last evaluated 2023-11-15.

Conditions:
Early-onset myopathy with fatal cardiomyopathy (CMYO5). Also called: CONGENITAL MYOPATHY 5 WITH CARDIOMYOPATHY; Salih Myopathy. Identifiers: Orphanet 289377, MedGen C2673677, MONDO:0012714, OMIM 611705. Disease mechanism: loss of function.
Myopathy, myofibrillar, 9, with early respiratory failure (MFM9). Also called: Hereditary myopathy with early respiratory failure; MYOPATHY, PROXIMAL, WITH EARLY RESPIRATORY MUSCLE INVOLVEMENT; Myopathy, distal, with early respiratory failure, autosomal dominant; EDSTROM MYOPATHY. Identifiers: Orphanet 178464, Orphanet 34521, MedGen C1863599, MONDO:0011362, OMIM 603689.
Tibial muscular dystrophy (TMD). Also called: UDD MYOPATHY; Udd Distal Myopathy – Tibial Muscular Dystrophy; Tibial muscular dystrophy, tardive. Identifiers: Orphanet 609, MedGen C1838244, MONDO:0010870, OMIM 600334.
Autosomal recessive limb-girdle muscular dystrophy type 2J (LGMDR10). Also called: Limb-girdle muscular dystrophy, type 2J; MUSCULAR DYSTROPHY, LIMB-GIRDLE, AUTOSOMAL RECESSIVE 10. Identifiers: Orphanet 140922, MedGen C1837342, MONDO:0012127, OMIM 608807.
Dilated cardiomyopathy 1G (CMD1G). Identifiers: Orphanet 154, MedGen C1858763, MONDO:0011400, OMIM 604145.

Allele frequency attached by ClinVar (database versions not stated): gnomAD 0.00001; TOPMed 0.00002; gnomAD exomes 0.00003; ExAC 0.00005; 1000 Genomes Project 30x 0.00016; 1000 Genomes Project 0.00020.
gnomAD v4.1: 41 of 1,613,334 alleles (0.0025%); highest among the groups gnomAD compares: East Asian, 0.076%; no homozygotes.

Submissions (7):

Blueprint Genetics
Classification: Likely benign. Last evaluated: 2023-11-15. Review status: criteria provided, single submitter. Criteria: ACMG Guidelines, 2015. Collection method: clinical testing. Allele origin: germline.

Illumina Laboratory Services, Illumina
Classification: Benign for Myopathy, myofibrillar, 9, with early respiratory failure. Last evaluated: 2018-01-13. Review status: criteria provided, single submitter. Criteria: ICSL Variant Classification Criteria 13 December 2019. Collection method: clinical testing. Allele origin: germline.
Comment: This variant was observed in the ICSL laboratory as part of a predisposition screen in an ostensibly healthy population. It had not been previously curated by ICSL or reported in the Human Gene Mutation Database (HGMD: prior to June 1st, 2018), and was therefore a candidate for classification through an automated scoring system. Utilizing variant allele frequency, disease prevalence and penetrance estimates, and inheritance mode, an automated score was calculated to assess if this variant is too frequent to cause the disease. Based on the score and internal cut-off values, a variant classified as benign is not then subjected to further curation. The score for this variant resulted in a classification of benign for this disease.

Illumina Laboratory Services, Illumina
Classification: Uncertain significance for Early-onset myopathy with fatal cardiomyopathy. Last evaluated: 2018-01-13. Review status: criteria provided, single submitter. Criteria: ICSL Variant Classification Criteria 13 December 2019. Collection method: clinical testing. Allele origin: germline.

Illumina Laboratory Services, Illumina
Classification: Benign for Tibial muscular dystrophy. Last evaluated: 2018-01-13. Review status: criteria provided, single submitter. Criteria: ICSL Variant Classification Criteria 13 December 2019. Collection method: clinical testing. Allele origin: germline.
Comment: the same text as in the submission from Illumina Laboratory Services, Illumina above.

Illumina Laboratory Services, Illumina
Classification: Uncertain significance for Dilated cardiomyopathy 1G. Last evaluated: 2018-01-13. Review status: criteria provided, single submitter. Criteria: ICSL Variant Classification Criteria 13 December 2019. Collection method: clinical testing. Allele origin: germline.

Illumina Laboratory Services, Illumina
Classification: Uncertain significance for Autosomal recessive limb-girdle muscular dystrophy type 2J. Last evaluated: 2018-01-13. Review status: criteria provided, single submitter. Criteria: ICSL Variant Classification Criteria 13 December 2019. Collection method: clinical testing. Allele origin: germline.

Labcorp Genetics (formerly Invitae), Labcorp
Classification: Uncertain significance for Dilated cardiomyopathy 1G; Autosomal recessive limb-girdle muscular dystrophy type 2J. Last evaluated: 2017-09-08. Review status: criteria provided, single submitter. Criteria: Invitae Variant Classification Sherloc (09022015). Collection method: clinical testing. Allele origin: germline.